The following is an entry in ClinVar:

NM_001123385.2(BCOR):c.2519C>T (p.Pro840Leu)

Gene: BCOR (BCL6 corepressor; minus strand). Cytogenetic location: Xp11.4.
Variant type: single nucleotide variant.
Coding change: c.2519C>T on transcript NM_001123385.2 (MANE Select); coding-DNA position 2519, C replaced by T.
Protein change: p.Pro840Leu; replaces proline 840 with leucine.
Molecular consequence: missense variant.
Genome position (GRCh38, 1-based): chrX:40,072,827, G>A on the plus strand (C>T on the coding strand, the complement: BCOR is on the minus strand). VCF-style: chrX-40072827-G-A. GRCh37 (hg19) VCF-style: chrX-39932080-G-A.
Other names: c.2519C>T, p.Pro840Leu (NM_001123383.2, NM_001123384.2, NM_017745.6); short protein forms P840L.
Identifiers: ClinVar variation 423219 (VCV000423219.6), dbSNP rs904253464, ClinGen allele CA16621371.
Genomic context (GRCh38, chrX:40,072,827, plus strand): 5'-CCCAACTCCTCTCTCAGGGCGATGAAATCACGGTGCTGCTGCAGGGCCGGCTCAACTGAG[G>A]GCTTGGGGGGCTCAGCGCTCTGGCCAACACTCTCTGCTGCAAAGCTGGGTTTGGACACGT-3'
Protein context (NP_001116857.1, residues 830-850): SVGQSAEPPK[Pro840Leu]SVEPALQQHR

ClinVar aggregate classification (germline): Uncertain significance. Review status: criteria provided, multiple submitters, no conflicts (2 of 4 stars). 2 submissions from 2 submitters: Uncertain significance (2). Last evaluated 2022-06-09.

Conditions:
Oculofaciocardiodental syndrome (MCOPS2). Identifiers: Orphanet 2712, MedGen C1846265, MONDO:0010261, OMIM 300166.

Allele frequency attached by ClinVar (database versions not stated): gnomAD exomes below 0.00001 and 0.00001; TOPMed 0.00002.
gnomAD v4.1: 2 of 1,211,640 alleles (0.00017%); highest among the groups gnomAD compares: Admixed American, 0.0043%; no homozygotes.

Submissions (2):

Labcorp Genetics (formerly Invitae), Labcorp
Classification: Uncertain significance for Oculofaciocardiodental syndrome. Last evaluated: 2022-06-09. Review status: criteria provided, single submitter. Criteria: Invitae Variant Classification Sherloc (09022015). Collection method: clinical testing. Allele origin: germline.
Comment: This sequence change replaces proline, which is neutral and non-polar, with leucine, which is neutral and non-polar, at codon 840 of the BCOR protein (p.Pro840Leu). This variant is present in population databases (no rsID available, gnomAD 0.004%). In summary, the available evidence is currently insufficient to determine the role of this variant in disease. Therefore, it has been classified as a Variant of Uncertain Significance. Algorithms developed to predict the effect of missense changes on protein structure and function are either unavailable or do not agree on the potential impact of this missense change (SIFT: "Deleterious"; PolyPhen-2: "Benign"; Align-GVGD: "Class C65"). ClinVar contains an entry for this variant (Variation ID: 423219). This variant has not been reported in the literature in individuals affected with BCOR-related conditions.

GeneDx
Classification: Uncertain significance. Last evaluated: 2017-02-17. Review status: criteria provided, single submitter. Criteria: GeneDx Variant Classification (06012015). Collection method: clinical testing. Allele origin: germline. Affected: yes.
Comment: The P840L variant in the BCOR gene has not been reported previously as a pathogenic variant, nor as a benign variant, to our knowledge. The P840L variant is not observed in large population cohorts (Lek et al., 2016; 1000 Genomes Consortium et al., 2015; Exome Variant Server). The P840L variant is a semi-conservative amino acid substitution, which may impact secondary protein structure as these residues differ in some properties. This substitution occurs at a position that is not conserved. In silico analysis is inconsistent in its predictions as to whether or not the variant is damaging to the protein structure/function. We interpret P840L as a variant of uncertain significance.